The following is an entry in ClinVar:

ClinVar aggregate classification (germline): Uncertain significance. Review status: criteria provided, multiple submitters, no conflicts (2 of 4 stars). 2 submissions from 2 submitters: Uncertain significance (2). Last evaluated 2026-05-21.

Conditions:
PLXNA2-related disorder. Also called: PLXNA2-related condition.

Submissions (2):

PreventionGenetics, part of Exact Sciences
Classification: Uncertain significance for PLXNA2-related condition. Last evaluated: 2026-05-21. Review status: criteria provided, single submitter. Criteria: ACMG Guidelines, 2015. Collection method: clinical testing. Allele origin: germline.
Comment: The PLXNA2 c.5484C>G variant is predicted to result in the amino acid substitution p.Asp1828Glu. To our knowledge, this variant has not been reported in the literature or in a large population database (gnomAD), indicating this variant is rare. At this time, the clinical significance of this variant is uncertain due to the absence of conclusive functional and genetic evidence.

Labcorp Genetics (formerly Invitae), Labcorp
Classification: Uncertain significance. Last evaluated: 2025-04-01. Review status: criteria provided, single submitter. Criteria: Invitae Variant Classification Sherloc (09022015). Collection method: clinical testing. Allele origin: germline.
Comment: This sequence change replaces aspartic acid, which is acidic and polar, with glutamic acid, which is acidic and polar, at codon 1828 of the PLXNA2 protein (p.Asp1828Glu). This variant is not present in population databases (gnomAD no frequency). This variant has not been reported in the literature in individuals affected with PLXNA2-related conditions. Invitae Evidence Modeling of protein sequence and biophysical properties (such as structural, functional, and spatial information, amino acid conservation, physicochemical variation, residue mobility, and thermodynamic stability) indicates that this missense variant is not expected to disrupt PLXNA2 protein function with a negative predictive value of 80%. In summary, the available evidence is currently insufficient to determine the role of this variant in disease. Therefore, it has been classified as a Variant of Uncertain Significance.

NM_025179.4(PLXNA2):c.5484C>G (p.Asp1828Glu)

Gene: PLXNA2 (plexin A2; minus strand). Cytogenetic location: 1q32.2.
Variant type: single nucleotide variant.
Coding change: c.5484C>G on transcript NM_025179.4 (MANE Select); coding-DNA position 5484, C replaced by G.
Protein change: p.Asp1828Glu; replaces aspartic acid 1828 with glutamic acid.
Molecular consequence: missense variant.
Genome position (GRCh38, 1-based): chr1:208,028,114, G>C on the plus strand (C>G on the coding strand, the complement: PLXNA2 is on the minus strand). VCF-style: chr1-208028114-G-C. GRCh37 (hg19) VCF-style: chr1-208201459-G-C.
Other names: c.5484C>G (NM_025179.3); short protein forms D1828E.
Identifiers: ClinVar variation 4769857 (VCV004769857.2).